The following is an entry in ClinVar:

NM_005188.4(CBL):c.*6648T>G

Gene: CBL (Cbl proto-oncogene; plus strand). Cytogenetic location: 11q23.3.
Variant type: single nucleotide variant.
Coding change: c.*6648T>G on transcript NM_005188.4 (MANE Select); 6648 bases downstream of the stop codon, T replaced by G.
Molecular consequence: 3 prime UTR variant.
Genome position (GRCh38, 1-based): chr11:119,306,429, T>G. VCF-style: chr11-119306429-T-G. GRCh37 (hg19) VCF-style: chr11-119177139-T-G.
Identifiers: ClinVar variation 302888 (VCV000302888.5), dbSNP rs544221090, ClinGen allele CA10633733.
Genomic context (GRCh38, chr11:119,306,429, plus strand): 5'-CCAAAAATGAATGTCAGGCCCCGCCCCCTCCCCACCAACATTGCCTCTCCTACATTCTCC[T>G]TCTGCCCCTAAATCAGACAGGAGGCCAGAGAGGAGTATTGCTCAATGCGTGCTATGTGCA-3'

ClinVar aggregate classification (germline): Benign (1 of 4 stars; one submission).

Conditions:
CBL-related disorder. Also called: NOONAN SYNDROME-LIKE DISORDER WITHOUT JUVENILE MYELOMONOCYTIC LEUKEMIA; CBL MUTATION-ASSOCIATED SYNDROME; CBL SYNDROME. Identifiers: Orphanet 363972, MedGen C3150803, MONDO:0013308, OMIM 613563.

Allele frequency attached by ClinVar (database versions not stated): 1000 Genomes Project 30x 0.00047; 1000 Genomes Project 0.00060; gnomAD 0.00176; TOPMed 0.00197; gnomAD exomes 0.00250.
gnomAD v4.1: 928 of 398,054 alleles (0.23%); highest among the groups gnomAD compares: Non-Finnish European, 0.36%; 3 homozygotes.

Submission:

Illumina Laboratory Services, Illumina
Classification: Benign for CBL-related disorder. Last evaluated: 2018-01-13. Review status: criteria provided, single submitter. Criteria: ICSL Variant Classification Criteria 13 December 2019. Collection method: clinical testing. Allele origin: germline.
Comment: This variant was observed in the ICSL laboratory as part of a predisposition screen in an ostensibly healthy population. It had not been previously curated by ICSL or reported in the Human Gene Mutation Database (HGMD: prior to June 1st, 2018), and was therefore a candidate for classification through an automated scoring system. Utilizing variant allele frequency, disease prevalence and penetrance estimates, and inheritance mode, an automated score was calculated to assess if this variant is too frequent to cause the disease. Based on the score and internal cut-off values, a variant classified as benign is not then subjected to further curation. The score for this variant resulted in a classification of benign for this disease.